The following is an entry in ClinVar:

ClinVar aggregate classification (germline): Likely pathogenic. Review status: criteria provided, multiple submitters, no conflicts (2 of 4 stars). 3 submissions from 3 submitters: Likely pathogenic (2). 1 of the submissions does not count toward it. Last evaluated 2024-12-26.

Conditions:
Polycystic liver disease 3 with or without kidney cysts. Identifiers: MedGen C4693472, MONDO:0054743, OMIM 617874.
ALG8 congenital disorder of glycosylation. Also called: ALG8-CDG; CONGENITAL DISORDER OF GLYCOSYLATION, TYPE Ih; CDG Ih. Identifiers: Orphanet 79325, MedGen C2931002, MONDO:0011969, OMIM 608104.

Allele frequency attached by ClinVar (database versions not stated): gnomAD exomes below 0.00001 and 0.00001; TOPMed below 0.00001; gnomAD 0.00001.
gnomAD v4.1: 14 of 1,613,958 alleles (0.00087%); highest among the groups gnomAD compares: African/African-American, 0.0013%; no homozygotes.

Submissions (3):

GeneDx
Classification: Likely pathogenic. Last evaluated: 2024-12-26. Review status: criteria provided, single submitter. Criteria: GeneDx Variant Classification Process June 2021. Collection method: clinical testing. Allele origin: germline. Affected: yes.
Comment: Not observed at significant frequency in large population cohorts (gnomAD); In silico analysis supports that this missense variant has a deleterious effect on protein structure/function; This variant is associated with the following publications: (PMID: 35716054)

Fulgent Genetics
Classification: Likely pathogenic for ALG8 congenital disorder of glycosylation; Polycystic liver disease 3 with or without kidney cysts. Last evaluated: 2024-06-03. Review status: criteria provided, single submitter. Criteria: ACMG Guidelines, 2015. Collection method: clinical testing. Allele origin: germline.

Eurofins Ntd Llc (ga)
Classification: Uncertain significance. Last evaluated: 2017-03-16. Review status: flagged submission. Criteria: EGL Classification Definitions 2015. Collection method: clinical testing. Allele origin: germline. Observed: 1 variant allele, 1 heterozygote. Not counted in ClinVar's aggregate classification.
ClinVar note: Reason: Older claim that does not account for recent evidence

NM_024079.5(ALG8):c.1134G>T (p.Trp378Cys)

Gene: ALG8 (ALG8 alpha-1,3-glucosyltransferase; minus strand). Cytogenetic location: 11q14.1.
Variant type: single nucleotide variant.
Coding change: c.1134G>T on transcript NM_024079.5 (MANE Select); coding-DNA position 1134, G replaced by T.
Protein change: p.Trp378Cys; replaces tryptophan 378 with cysteine.
Molecular consequence: missense variant.
Genome position (GRCh38, 1-based): chr11:78,106,851, C>A on the plus strand (G>T on the coding strand, the complement: ALG8 is on the minus strand). VCF-style: chr11-78106851-C-A. GRCh37 (hg19) VCF-style: chr11-77817897-C-A.
Other names: c.1134G>T, p.Trp378Cys (NM_001007027.3); short protein forms W378C.
Identifiers: ClinVar variation 384081 (VCV000384081.11), dbSNP rs867450807, ClinGen allele CA16606032.